The following is an entry in ClinVar:

ClinVar aggregate classification (germline): Uncertain significance (1 of 4 stars; one submission).

gnomAD v4.1: 4 of 1,614,208 alleles (0.00025%); highest among the groups gnomAD compares: Non-Finnish European, 0.00034%; no homozygotes.

Submission:

Labcorp Genetics (formerly Invitae), Labcorp
Classification: Uncertain significance. Last evaluated: 2025-04-12. Review status: criteria provided, single submitter. Criteria: Invitae Variant Classification Sherloc (09022015). Collection method: clinical testing. Allele origin: germline.
Comment: This sequence change replaces arginine, which is basic and polar, with cysteine, which is neutral and slightly polar, at codon 237 of the ADCY1 protein (p.Arg237Cys). This variant is not present in population databases (gnomAD no frequency). This variant has not been reported in the literature in individuals affected with ADCY1-related conditions. Invitae Evidence Modeling of protein sequence and biophysical properties (such as structural, functional, and spatial information, amino acid conservation, physicochemical variation, residue mobility, and thermodynamic stability) indicates that this missense variant is not expected to disrupt ADCY1 protein function with a negative predictive value of 80%. In summary, the available evidence is currently insufficient to determine the role of this variant in disease. Therefore, it has been classified as a Variant of Uncertain Significance.

NM_021116.4(ADCY1):c.709C>T (p.Arg237Cys)

Gene: ADCY1 (adenylate cyclase 1; plus strand). Cytogenetic location: 7p12.3.
Variant type: single nucleotide variant.
Coding change: c.709C>T on transcript NM_021116.4 (MANE Select); coding-DNA position 709, C replaced by T.
Protein change: p.Arg237Cys; replaces arginine 237 with cysteine.
Molecular consequence: missense variant.
Genome position (GRCh38, 1-based): chr7:45,592,828, C>T. VCF-style: chr7-45592828-C-T. GRCh37 (hg19) VCF-style: chr7-45632427-C-T.
Other names: c.34C>T, p.Arg12Cys (NM_001281768.2); short protein forms R237C, R12C.
Identifiers: ClinVar variation 4779202 (VCV004779202.1).